The following is an entry in ClinVar:

ClinVar aggregate classification (germline): Uncertain significance (1 of 4 stars; one submission).

Conditions:
Emery-Dreifuss muscular dystrophy 5, autosomal dominant (EDMD5). Also called: EMERY-DREIFUSS MUSCULAR DYSTROPHY 5. Identifiers: Orphanet 261, MedGen C2751805, MONDO:0013072, OMIM 612999.

Submission:

Labcorp Genetics (formerly Invitae), Labcorp
Classification: Uncertain significance for Emery-Dreifuss muscular dystrophy 5, autosomal dominant. Last evaluated: 2025-12-14. Review status: criteria provided, single submitter. Criteria: Invitae Variant Classification Sherloc (09022015). Collection method: clinical testing. Allele origin: germline.
Comment: This sequence change creates a premature translational stop signal (p.His722Lysfs*10) in the SYNE2 gene. It is expected to result in an absent or disrupted protein product. However, the current clinical and genetic evidence is not sufficient to establish whether loss-of-function variants in SYNE2 cause disease. This variant is not present in population databases (gnomAD no frequency). This variant has not been reported in the literature in individuals affected with SYNE2-related conditions. In summary, the available evidence is currently insufficient to determine the role of this variant in disease. Therefore, it has been classified as a Variant of Uncertain Significance.

NM_182914.3(SYNE2):c.2164_2170del (p.His722fs)

Gene: SYNE2 (spectrin repeat containing nuclear envelope protein 2; plus strand). Cytogenetic location: 14q23.2.
Variant type: Deletion.
Coding change: c.2164_2170del on transcript NM_182914.3 (MANE Select); coding-DNA positions 2164 to 2170, 7 bases deleted (CATGAAA; older notation c.2164_2170delCATGAAA).
Protein change: p.His722fs; shifts the reading frame from histidine 722.
Molecular consequence: frameshift variant.
Genome position (GRCh38, 1-based): chr14:63,986,468-63,986,474, CATGAAA deleted; deleting any 7 consecutive bases within chr14:63,986,464-63,986,474 gives the same sequence; the c. name uses the placement nearest the transcript's 3' end. VCF-style (leftmost placement, unchanged base first): chr14-63986463-AGAAACAT-A. GRCh37 (hg19) VCF-style: chr14-64453181-AGAAACAT-A.
Other names: c.2164_2170del, p.His722fs (NM_015180.6); short protein forms H722fs.
Identifiers: ClinVar variation 4733155 (VCV004733155.1).